The following is an entry in ClinVar:

NC_000018.9:g.(?_48573290)_(48575704_?)del

Gene: SMAD4 (SMAD family member 4; plus strand). Cytogenetic location: 18q21.2.
Variant type: Deletion.
Identifiers: ClinVar variation 3242735 (VCV003242735.1).

ClinVar aggregate classification (germline): Pathogenic (1 of 4 stars; one submission).

Conditions:
Juvenile polyposis syndrome (JPS). Identifiers: Orphanet 2929, MedGen C0345893, MONDO:0017380, OMIM 174900.

Submission:

Labcorp Genetics (formerly Invitae), Labcorp
Classification: Pathogenic for Juvenile polyposis syndrome. Last evaluated: 2023-03-04. Review status: criteria provided, single submitter. Criteria: Invitae Variant Classification Sherloc (09022015). Collection method: clinical testing. Allele origin: unknown.
Comment: This variant is a gross deletion of the genomic region encompassing exon(s) 2-4 of the SMAD4 gene, which includes the initiator codon. This deletion extends beyond the assayed region for this gene and therefore may encompass additional genes. It is expected to result in an absent or disrupted protein product. Loss-of-function variants in SMAD4 are known to be pathogenic (PMID: 16152648, 16436638, 22810475). For these reasons, this variant has been classified as Pathogenic. This variant has not been reported in the literature in individuals affected with SMAD4-related conditions.

Literature cited by the submitters: PubMed 16152648; PubMed 16436638; PubMed 22810475.